The following is an entry in ClinVar:

ClinVar aggregate classification (germline): Uncertain significance (1 of 4 stars; one submission).

Conditions:
Neuropathy, hereditary sensory and autonomic, type 1C. Also called: HSAN IC; HSN IC. Identifiers: Orphanet 36386, MedGen C3150896, MONDO:0013337, OMIM 613640.

Submission:

Labcorp Genetics (formerly Invitae), Labcorp
Classification: Uncertain significance for Neuropathy, hereditary sensory and autonomic, type 1C. Last evaluated: 2024-11-09. Review status: criteria provided, single submitter. Criteria: Invitae Variant Classification Sherloc (09022015). Collection method: clinical testing. Allele origin: germline.
Comment: This sequence change replaces aspartic acid, which is acidic and polar, with glutamic acid, which is acidic and polar, at codon 344 of the SPTLC2 protein (p.Asp344Glu). This variant is not present in population databases (gnomAD no frequency). This variant has not been reported in the literature in individuals affected with SPTLC2-related conditions. Invitae Evidence Modeling of protein sequence and biophysical properties (such as structural, functional, and spatial information, amino acid conservation, physicochemical variation, residue mobility, and thermodynamic stability) indicates that this missense variant is expected to disrupt SPTLC2 protein function with a positive predictive value of 95%. In summary, the available evidence is currently insufficient to determine the role of this variant in disease. Therefore, it has been classified as a Variant of Uncertain Significance.

NM_004863.4(SPTLC2):c.1032T>A (p.Asp344Glu)

Gene: SPTLC2 (serine palmitoyltransferase long chain base subunit 2; minus strand). Cytogenetic location: 14q24.3.
Variant type: single nucleotide variant.
Coding change: c.1032T>A on transcript NM_004863.4 (MANE Select); coding-DNA position 1032, T replaced by A.
Protein change: p.Asp344Glu; replaces aspartic acid 344 with glutamic acid.
Molecular consequence: missense variant.
Genome position (GRCh38, 1-based): chr14:77,555,444, A>T on the plus strand (T>A on the coding strand, the complement: SPTLC2 is on the minus strand). VCF-style: chr14-77555444-A-T. GRCh37 (hg19) VCF-style: chr14-78021787-A-T.
Other names: short protein forms D344E.
Identifiers: ClinVar variation 3721098 (VCV003721098.2).